The following is an entry in ClinVar:

NM_006231.4(POLE):c.6748G>C (p.Val2250Leu)

Gene: POLE (DNA polymerase epsilon, catalytic subunit; minus strand). Cytogenetic location: 12q24.33.
Variant type: single nucleotide variant.
Coding change: c.6748G>C on transcript NM_006231.4 (MANE Select); coding-DNA position 6748, G replaced by C.
Protein change: p.Val2250Leu; replaces valine 2250 with leucine.
Molecular consequence: missense variant.
Genome position (GRCh38, 1-based): chr12:132,624,810, C>G on the plus strand (G>C on the coding strand, the complement: POLE is on the minus strand). VCF-style: chr12-132624810-C-G. GRCh37 (hg19) VCF-style: chr12-133201396-C-G.
Other names: c.6748G>C (NM_006231.2); short protein forms V2250L.
Identifiers: ClinVar variation 473813 (VCV000473813.10), dbSNP rs756931710, ClinGen allele CA387365932.

ClinVar aggregate classification (germline): Uncertain significance. Review status: criteria provided, multiple submitters, no conflicts (2 of 4 stars). 2 submissions from 2 submitters: Uncertain significance (2). Last evaluated 2025-06-23.

Conditions:
Hereditary cancer-predisposing syndrome. Also called: Neoplastic Syndromes, Hereditary; Tumor predisposition; Hereditary Cancer Syndrome; Hereditary neoplastic syndrome. Identifiers: Orphanet 140162, MedGen C0027672, MeSH D009386, MONDO:0015356.

gnomAD v4.1: 7 of 1,608,826 alleles (0.00044%); highest among the groups gnomAD compares: Non-Finnish European, 0.0006%; no homozygotes.

Submissions (2):

Labcorp Genetics (formerly Invitae), Labcorp
Classification: Uncertain significance. Last evaluated: 2025-06-23. Review status: criteria provided, single submitter. Criteria: Invitae Variant Classification Sherloc (09022015). Collection method: clinical testing. Allele origin: germline.
Comment: This sequence change replaces valine, which is neutral and non-polar, with leucine, which is neutral and non-polar, at codon 2250 of the POLE protein (p.Val2250Leu). This variant is not present in population databases (gnomAD no frequency). This variant has not been reported in the literature in individuals affected with POLE-related conditions. ClinVar contains an entry for this variant (Variation ID: 473813). An algorithm developed to predict the effect of missense changes on protein structure and function (PolyPhen-2) suggests that this variant is likely to be tolerated. In summary, the available evidence is currently insufficient to determine the role of this variant in disease. Therefore, it has been classified as a Variant of Uncertain Significance.

Ambry Genetics
Classification: Uncertain significance for Hereditary cancer-predisposing syndrome. Last evaluated: 2024-08-21. Review status: criteria provided, single submitter. Criteria: Ambry Variant Classification Scheme 2023. Collection method: clinical testing. Allele origin: germline.
Comment: The p.V2250L variant (also known as c.6748G>C) is located in coding exon 49 of the POLE gene. The valine at codon 2250 is replaced by leucine, an amino acid with highly similar properties. This change occurs in the first base pair of coding exon 49. This amino acid position is conserved. In addition, this alteration is predicted to be tolerated by in silico analysis. Based on the available evidence, the clinical significance of this variant remains unclear.